The following is an entry in ClinVar:

ClinVar aggregate classification (germline): Conflicting classifications of pathogenicity. Review status: criteria provided, conflicting classifications (1 of 4 stars). 3 submissions from 3 submitters: Uncertain significance (2); Likely benign (1). Last evaluated 2026-07-01.

Conditions:
Hereditary cancer-predisposing syndrome. Also called: Hereditary neoplastic syndrome; Neoplastic Syndromes, Hereditary; Tumor predisposition; Hereditary Cancer Syndrome. Identifiers: Orphanet 140162, MedGen C0027672, MeSH D009386, MONDO:0015356.
Cardiovascular phenotype. Identifiers: MedGen CN230736.

gnomAD v4.1: 6 of 1,593,936 alleles (0.00038%); highest among the groups gnomAD compares: Admixed American, 0.0069%; no homozygotes.

Submissions (3):

CeGaT Center for Human Genetics Tuebingen
Classification: Uncertain significance. Last evaluated: 2026-07-01. Review status: criteria provided, single submitter. Criteria: CeGaT Center For Human Genetics Tuebingen Variant Classification Criteria Version 2. Collection method: clinical testing. Allele origin: germline. Affected: yes. Observed: 1 variant allele.
Comment: LZTR1: PM2, BP4

Labcorp Genetics (formerly Invitae), Labcorp
Classification: Uncertain significance. Last evaluated: 2025-04-23. Review status: criteria provided, single submitter. Criteria: Invitae Variant Classification Sherloc (09022015). Collection method: clinical testing. Allele origin: germline.
Comment: This sequence change replaces glycine, which is neutral and non-polar, with cysteine, which is neutral and slightly polar, at codon 498 of the LZTR1 protein (p.Gly498Cys). The frequency data for this variant in the population databases is considered unreliable, as metrics indicate poor data quality at this position in the gnomAD database. This variant has not been reported in the literature in individuals affected with LZTR1-related conditions. ClinVar contains an entry for this variant (Variation ID: 1773817). Invitae Evidence Modeling of protein sequence and biophysical properties (such as structural, functional, and spatial information, amino acid conservation, physicochemical variation, residue mobility, and thermodynamic stability) indicates that this missense variant is not expected to disrupt LZTR1 protein function with a negative predictive value of 80%. In summary, the available evidence is currently insufficient to determine the role of this variant in disease. Therefore, it has been classified as a Variant of Uncertain Significance.

Ambry Genetics
Classification: Likely benign for Cardiovascular phenotype; Hereditary cancer-predisposing syndrome. Last evaluated: 2024-01-24. Review status: criteria provided, single submitter. Criteria: Ambry Variant Classification Scheme 2023. Collection method: clinical testing. Allele origin: germline.

NM_006767.4(LZTR1):c.1492G>T (p.Gly498Cys)

Gene: LZTR1 (leucine zipper like post translational regulator 1; plus strand). Cytogenetic location: 22q11.21.
Variant type: single nucleotide variant.
Coding change: c.1492G>T on transcript NM_006767.4 (MANE Select); coding-DNA position 1492, G replaced by T.
Protein change: p.Gly498Cys; replaces glycine 498 with cysteine.
Molecular consequence: missense variant.
Genome position (GRCh38, 1-based): chr22:20,994,146, G>T. VCF-style: chr22-20994146-G-T. GRCh37 (hg19) VCF-style: chr22-21348435-G-T.
Other names: short protein forms G498C.
Identifiers: ClinVar variation 1773817 (VCV001773817.8), dbSNP rs779080464, ClinGen allele CA10118919.
Genomic context (GRCh38, chr22:20,994,146, plus strand): 5'-GCTCCCTTCTCCCCACAGAAGCTGGAGCAGGAGGCCGCCCCAGTTCCCAGGGAGGCCCCC[G>T]GCGTGGCTGCTGGTGGGGCCCGGCCGCCCCTGCTGCACGTGGCCATCCGGGAGGCCGAGG-3'
Protein context (NP_006758.2, residues 488-508): EAAPVPREAP[Gly498Cys]VAAGGARPPL